The following is an entry in ClinVar:

NM_012062.5(DNM1L):c.1539+6T>C

Gene: DNM1L (dynamin 1 like; plus strand). Cytogenetic location: 12p11.21.
Variant type: single nucleotide variant.
Coding change: c.1539+6T>C on transcript NM_012062.5 (MANE Select); 6 bases into the intron after coding-DNA position 1539, T replaced by C.
Molecular consequence: intron variant.
Genome position (GRCh38, 1-based): chr12:32,733,813, T>C. VCF-style: chr12-32733813-T-C. GRCh37 (hg19) VCF-style: chr12-32886747-T-C.
Other names: c.1578+6T>C (NM_001278464.2, NM_001278465.2, NM_001330380.2); c.930+6T>C (NM_001278466.2); c.1539+6T>C (NM_001278463.2, NM_012063.4, NM_005690.5).
Identifiers: ClinVar variation 2132676 (VCV002132676.4), dbSNP rs370869264, ClinGen allele CA2580085378.

ClinVar aggregate classification (germline): Uncertain significance (1 of 4 stars; one submission).

gnomAD v4.1: 10 of 1,611,550 alleles (0.00062%); highest among the groups gnomAD compares: Non-Finnish European, 0.00085%; no homozygotes.

Submission:

Labcorp Genetics (formerly Invitae), Labcorp
Classification: Uncertain significance. Last evaluated: 2023-12-17. Review status: criteria provided, single submitter. Criteria: Invitae Variant Classification Sherloc (09022015). Collection method: clinical testing. Allele origin: germline.
Comment: This sequence change falls in intron 13 of the DNM1L gene. It does not directly change the encoded amino acid sequence of the DNM1L protein. It affects a nucleotide within the consensus splice site. This variant is not present in population databases (gnomAD no frequency). This variant has not been reported in the literature in individuals affected with DNM1L-related conditions. ClinVar contains an entry for this variant (Variation ID: 2132676). Variants that disrupt the consensus splice site are a relatively common cause of aberrant splicing (PMID: 17576681, 9536098). Algorithms developed to predict the effect of sequence changes on RNA splicing suggest that this variant is not likely to affect RNA splicing. In summary, the available evidence is currently insufficient to determine the role of this variant in disease. Therefore, it has been classified as a Variant of Uncertain Significance.

Literature cited by the submitters: PubMed 17576681; PubMed 9536098.